The following is an entry in ClinVar:

ClinVar aggregate classification (germline): Uncertain significance (1 of 4 stars; one submission).

Conditions:
Candidiasis, familial, 9 (CANDF9). Identifiers: Orphanet 1334, MedGen C4225324, MONDO:0014642, OMIM 616445.

Allele frequency attached by ClinVar (database versions not stated): TOPMed below 0.00001.
gnomAD v4.1: 2 of 1,606,742 alleles (0.00012%); highest among the groups gnomAD compares: Non-Finnish European, 0.00017%; no homozygotes.

Submission:

Labcorp Genetics (formerly Invitae), Labcorp
Classification: Uncertain significance for Candidiasis, familial, 9. Last evaluated: 2024-10-16. Review status: criteria provided, single submitter. Criteria: Invitae Variant Classification Sherloc (09022015). Collection method: clinical testing. Allele origin: germline.
Comment: This sequence change replaces proline, which is neutral and non-polar, with serine, which is neutral and polar, at codon 671 of the IL17RC protein (p.Pro671Ser). This variant is not present in population databases (gnomAD no frequency). This variant has not been reported in the literature in individuals affected with IL17RC-related conditions. ClinVar contains an entry for this variant (Variation ID: 1064056). An algorithm developed to predict the effect of missense changes on protein structure and function outputs the following: PolyPhen-2: "Benign". The serine amino acid residue is found in multiple mammalian species, which suggests that this missense change does not adversely affect protein function. In summary, the available evidence is currently insufficient to determine the role of this variant in disease. Therefore, it has been classified as a Variant of Uncertain Significance.

NM_153460.4(IL17RC):c.1798C>T (p.Pro600Ser)

Gene: IL17RC (interleukin 17 receptor C; plus strand). Cytogenetic location: 3p25.3.
Variant type: single nucleotide variant.
Coding change: c.1798C>T on transcript NM_153460.4 (MANE Select); coding-DNA position 1798, C replaced by T.
Protein change: p.Pro600Ser; replaces proline 600 with serine.
Molecular consequence: missense variant. On other transcripts: non-coding transcript variant (1).
Genome position (GRCh38, 1-based): chr3:9,933,228, C>T. VCF-style: chr3-9933228-C-T. GRCh37 (hg19) VCF-style: chr3-9974912-C-T.
Other names: c.1759C>T, p.Pro587Ser (NM_001203263.2); c.1708C>T, p.Pro570Ser (NM_001203264.2); c.1702C>T, p.Pro568Ser (NM_001203265.2); c.1720C>T, p.Pro574Ser (NM_001367278.1); c.1639C>T, p.Pro547Ser (NM_001367279.1); c.1714C>T, p.Pro572Ser (NM_001367280.1); c.1753C>T, p.Pro585Ser (NM_032732.6); c.2011C>T, p.Pro671Ser (NM_153461.4); short protein forms P547S, P568S, P570S, P572S, P574S, P585S, P587S, P600S.
Identifiers: ClinVar variation 1064056 (VCV001064056.5), dbSNP rs1322440366, ClinGen allele CA351707394.